The following is an entry in ClinVar:

NM_006929.5(SKIC2):c.3541-2A>G

Gene: SKIC2 (SKI2 subunit of superkiller complex; plus strand). Cytogenetic location: 6p21.33.
Variant type: single nucleotide variant.
Coding change: c.3541-2A>G on transcript NM_006929.5 (MANE Select); the canonical splice acceptor site of the intron before coding-DNA position 3541, A replaced by G.
Molecular consequence: splice acceptor variant.
Genome position (GRCh38, 1-based): chr6:31,969,513, A>G. VCF-style: chr6-31969513-A-G. GRCh37 (hg19) VCF-style: chr6-31937290-A-G.
Identifiers: ClinVar variation 1066292 (VCV001066292.8), dbSNP rs762751779, ClinGen allele CA3730089.

ClinVar aggregate classification (germline): Likely pathogenic (1 of 4 stars; one submission).

Allele frequency attached by ClinVar (database versions not stated): gnomAD 0.00001; TOPMed 0.00001; ExAC 0.00002; gnomAD exomes 0.00002.
gnomAD v4.1: 25 of 1,613,214 alleles (0.0015%); highest among the groups gnomAD compares: Non-Finnish European, 0.002%; no homozygotes.

Submissions (2):

Labcorp Genetics (formerly Invitae), Labcorp
Classification: Likely pathogenic. Last evaluated: 2025-11-23. Review status: criteria provided, single submitter. Criteria: Invitae Variant Classification Sherloc (09022015). Collection method: clinical testing. Allele origin: germline.
Comment: This sequence change affects an acceptor splice site in intron 27 of the SKIV2L gene. It is expected to disrupt RNA splicing. Variants that disrupt the donor or acceptor splice site typically lead to a loss of protein function (PMID: 16199547), and loss-of-function variants in SKIV2L are known to be pathogenic (PMID: 22444670). This variant is present in population databases (rs762751779, gnomAD 0.007%). This variant has not been reported in the literature in individuals affected with SKIV2L-related conditions. ClinVar contains an entry for this variant (Variation ID: 1066292). Algorithms developed to predict the effect of sequence changes on RNA splicing suggest that this variant may disrupt the consensus splice site. In summary, the currently available evidence indicates that the variant is pathogenic, but additional data are needed to prove that conclusively. Therefore, this variant has been classified as Likely Pathogenic.

Dr. Peter K. Rogan Lab, Western University
No classification provided (evidence only). Condition: Gastric cancer. Review status: no classification provided. Collection method: in vitro. Allele origin: not applicable. Functional consequence: retained intron. Not counted in ClinVar's aggregate classification.

Literature cited by the submitters: PubMed 16199547 (cited by Labcorp Genetics (formerly Invitae), Labcorp); PubMed 22444670 (cited by Labcorp Genetics (formerly Invitae), Labcorp).